The following is an entry in ClinVar:

NM_022843.4(PCDH20):c.2T>C (p.Met1Thr)

Gene: PCDH20 (protocadherin 20; minus strand). Cytogenetic location: 13q21.2.
Variant type: single nucleotide variant.
Coding change: c.2T>C on transcript NM_022843.4 (MANE Select); coding-DNA position 2, T replaced by C.
Protein change: p.Met1Thr; changes the start codon (methionine 1).
Molecular consequence: missense variant, initiator codon variant.
Genome position (GRCh38, 1-based): chr13:61,415,157, A>G on the plus strand (T>C on the coding strand, the complement: PCDH20 is on the minus strand). VCF-style: chr13-61415157-A-G. GRCh37 (hg19) VCF-style: chr13-61989290-A-G.
Other names: short protein forms M1T.
Identifiers: ClinVar variation 2643833 (VCV002643833.24), dbSNP rs182750134, ClinGen allele CA6998203.

ClinVar aggregate classification (germline): Likely benign (1 of 4 stars; one submission).

Allele frequency attached by ClinVar (database versions not stated): 1000 Genomes Project 0.00080; 1000 Genomes Project 30x 0.00109; ExAC 0.00344.

Submission:

CeGaT Center for Human Genetics Tuebingen
Classification: Likely benign. Last evaluated: 2023-04-01. Review status: criteria provided, single submitter. Criteria: CeGaT Center For Human Genetics Tuebingen Variant Classification Criteria Version 2. Collection method: clinical testing. Allele origin: germline. Affected: yes. Observed: 1 variant allele.
Comment: PCDH20: BS2